The following is an entry in ClinVar:

ClinVar aggregate classification (germline): Uncertain significance (1 of 4 stars; one submission).

Submission:

GeneDx
Classification: Uncertain significance. Last evaluated: 2025-07-08. Review status: criteria provided, single submitter. Criteria: GeneDx Variant Classification Process June 2021. Collection method: clinical testing. Allele origin: germline. Affected: yes.
Comment: Not observed at significant frequency in large population cohorts (gnomAD); In silico analysis supports that this missense variant has a deleterious effect on protein structure/function; Has not been previously published as pathogenic or benign to our knowledge; This variant is associated with the following publications: (PMID: 24526230, 24850488, 33098801)

NM_006087.4(TUBB4A):c.1229A>G (p.Glu410Gly)

Gene: TUBB4A (tubulin beta 4A class IVa; minus strand). Cytogenetic location: 19p13.3.
Variant type: single nucleotide variant.
Coding change: c.1229A>G on transcript NM_006087.4 (MANE Select); coding-DNA position 1229, A replaced by G.
Protein change: p.Glu410Gly; replaces glutamic acid 410 with glycine.
Molecular consequence: missense variant.
Genome position (GRCh38, 1-based): chr19:6,495,270, T>C on the plus strand (A>G on the coding strand, the complement: TUBB4A is on the minus strand). VCF-style: chr19-6495270-T-C. GRCh37 (hg19) VCF-style: chr19-6495281-T-C.
Other names: c.1382A>G, p.Glu461Gly (NM_001289123.2); c.1364A>G, p.Glu455Gly (NM_001289127.2); c.1229A>G, p.Glu410Gly (NM_001289129.2); c.1013A>G, p.Glu338Gly (NM_001289130.2, NM_001289131.2); short protein forms E338G, E410G, E455G, E461G.
Identifiers: ClinVar variation 4685229 (VCV004685229.1).